The following is an entry in ClinVar:

ClinVar aggregate classification (germline): Uncertain significance (1 of 4 stars; one submission).

gnomAD v4.1: 7 of 1,613,922 alleles (0.00043%); highest among the groups gnomAD compares: East Asian, 0.013%; no homozygotes.

Submission:

Ambry Genetics
Classification: Uncertain significance. Last evaluated: 2025-03-08. Review status: criteria provided, single submitter. Criteria: Ambry Variant Classification Scheme 2023. Collection method: clinical testing. Allele origin: germline.
Comment: The p.T623K variant (also known as c.1868C>A), located in coding exon 1 of the MLH3 gene, results from a C to A substitution at nucleotide position 1868. The threonine at codon 623 is replaced by lysine, an amino acid with similar properties. This amino acid position is conserved. In addition, this alteration is predicted to be tolerated by in silico analysis. Based on the available evidence, the clinical significance of this variant remains unclear.

NM_001040108.2(MLH3):c.1868C>A (p.Thr623Lys)

Gene: MLH3 (mutL homolog 3; minus strand). Cytogenetic location: 14q24.3.
Variant type: single nucleotide variant.
Coding change: c.1868C>A on transcript NM_001040108.2 (MANE Select); coding-DNA position 1868, C replaced by A.
Protein change: p.Thr623Lys; replaces threonine 623 with lysine.
Molecular consequence: missense variant.
Genome position (GRCh38, 1-based): chr14:75,047,788, G>T on the plus strand (C>A on the coding strand, the complement: MLH3 is on the minus strand). VCF-style: chr14-75047788-G-T. GRCh37 (hg19) VCF-style: chr14-75514491-G-T.
Other names: c.1868C>A, p.Thr623Lys (NM_014381.3); short protein forms T623K.
Identifiers: ClinVar variation 3873542 (VCV003873542.1).
Genomic context (GRCh38, chr14:75,047,788, plus strand): 5'-CCAAATGTTTCTTGGGCACGTGTGGGACCAGGTCTAACATAATTTTTAAATGAATGTTCT[G>T]TTTCAGTTGATTTAGTTTTTTCATTTTGTACTACATGAGTTATAAAGCCAGTGGAACATA-3'
Protein context (NP_001035197.1, residues 613-633): VQNEKTKSTE[Thr623Lys]EHSFKNYVRP